The following is an entry in ClinVar:

NM_032737.4(LMNB2):c.568G>A (p.Gly190Ser)

Gene: LMNB2 (lamin B2; minus strand). Cytogenetic location: 19p13.3.
Variant type: single nucleotide variant.
Coding change: c.568G>A on transcript NM_032737.4 (MANE Select); coding-DNA position 568, G replaced by A.
Protein change: p.Gly190Ser; replaces glycine 190 with serine.
Molecular consequence: missense variant.
Genome position (GRCh38, 1-based): chr19:2,438,279, C>T on the plus strand (G>A on the coding strand, the complement: LMNB2 is on the minus strand). VCF-style: chr19-2438279-C-T. GRCh37 (hg19) VCF-style: chr19-2438277-C-T.
Other names: short protein forms G190S.
Identifiers: ClinVar variation 2930445 (VCV002930445.4), dbSNP rs377308554, ClinGen allele CA9067841.

ClinVar aggregate classification (germline): Uncertain significance. Review status: criteria provided, multiple submitters, no conflicts (2 of 4 stars). 2 submissions from 2 submitters: Uncertain significance (2). Last evaluated 2025-10-10.

Conditions:
Progressive myoclonic epilepsy type 9. Identifiers: Orphanet 457265, MedGen C4225289, MONDO:0014685, OMIM 616540.
Lipodystrophy, partial, acquired, susceptibility to (APLD). Also called: APLD, SUSCEPTIBILITY TO. Identifiers: MedGen C3887501, MONDO:0100476, OMIM 608709.

Allele frequency attached by ClinVar (database versions not stated): gnomAD 0.00001; TOPMed 0.00001; ExAC 0.00002; ESP Exome Variant Server 0.00008.

Submissions (2):

Women's Health and Genetics/Laboratory Corporation of America, LabCorp
Classification: Uncertain significance. Last evaluated: 2025-10-10. Review status: criteria provided, single submitter. Criteria: LabCorp Variant Classification Summary - May 2015. Collection method: clinical testing. Allele origin: germline.
Comment: Variant summary: LMNB2 c.568G>A (p.Gly190Ser) results in a non-conservative amino acid change located in the Intermediate filament, rod domain (IPR039008) of the encoded protein sequence. Algorithms developed to predict the effect of missense changes on protein structure and function are either unavailable or do not agree on the potential impact of this missense change. The variant allele was found at a frequency of 1.6e-05 in 250902 control chromosomes. The available data on variant occurrences in the general population are insufficient to allow any conclusion about variant significance. To our knowledge, no occurrence of c.568G>A in individuals affected with LMNB2-related conditions and no experimental evidence demonstrating its impact on protein function have been reported. ClinVar contains an entry for this variant (Variation ID: 2930445). Based on the evidence outlined above, the variant was classified as uncertain significance.

Labcorp Genetics (formerly Invitae), Labcorp
Classification: Uncertain significance for Progressive myoclonic epilepsy type 9; Lipodystrophy, partial, acquired, susceptibility to. Last evaluated: 2022-11-19. Review status: criteria provided, single submitter. Criteria: Invitae Variant Classification Sherloc (09022015). Collection method: clinical testing. Allele origin: germline.
Comment: This sequence change replaces glycine, which is neutral and non-polar, with serine, which is neutral and polar, at codon 190 of the LMNB2 protein (p.Gly190Ser). This variant is present in population databases (rs377308554, gnomAD 0.004%). In summary, the available evidence is currently insufficient to determine the role of this variant in disease. Therefore, it has been classified as a Variant of Uncertain Significance. Advanced modeling of protein sequence and biophysical properties (such as structural, functional, and spatial information, amino acid conservation, physicochemical variation, residue mobility, and thermodynamic stability) performed at Invitae indicates that this missense variant is not expected to disrupt LMNB2 protein function. This variant has not been reported in the literature in individuals affected with LMNB2-related conditions.